The following is an entry in ClinVar:

ClinVar aggregate classification (germline): Benign/Likely benign. Review status: criteria provided, multiple submitters, no conflicts (2 of 4 stars). 3 submissions from 3 submitters: Benign (1); Likely benign (2). Last evaluated 2025-02-04.

Conditions:
Juvenile polyposis syndrome (JPS). Identifiers: Orphanet 2929, MedGen C0345893, MONDO:0017380, OMIM 174900.
Hereditary cancer-predisposing syndrome. Also called: Neoplastic Syndromes, Hereditary; Hereditary neoplastic syndrome; Hereditary Cancer Syndrome; Tumor predisposition. Identifiers: Orphanet 140162, MedGen C0027672, MeSH D009386, MONDO:0015356.

Allele frequency attached by ClinVar (database versions not stated): TOPMed below 0.00001.

Submissions (3):

Labcorp Genetics (formerly Invitae), Labcorp
Classification: Likely benign for Juvenile polyposis syndrome. Last evaluated: 2025-02-04. Review status: criteria provided, single submitter. Criteria: Invitae Variant Classification Sherloc (09022015). Collection method: clinical testing. Allele origin: germline.

Myriad Genetics, Inc.
Classification: Benign for Juvenile polyposis syndrome. Last evaluated: 2024-08-01. Review status: criteria provided, single submitter. Criteria: Myriad Autosomal Dominant, Autosomal Recessive and X-Linked Classification Criteria (2023). Collection method: clinical testing. Allele origin: unknown.
Comment: This variant is considered benign. This variant is a silent/synonymous amino acid change and it is not expected to impact splicing.

Ambry Genetics
Classification: Likely benign for Hereditary cancer-predisposing syndrome. Last evaluated: 2020-10-21. Review status: criteria provided, single submitter. Criteria: Ambry Variant Classification Scheme 2023. Collection method: clinical testing. Allele origin: germline.

NM_004329.3(BMPR1A):c.399T>C (p.Tyr133=)

Gene: BMPR1A (bone morphogenetic protein receptor type 1A; plus strand). Cytogenetic location: 10q23.2.
Variant type: single nucleotide variant.
Coding change: c.399T>C on transcript NM_004329.3 (MANE Select); coding-DNA position 399, T replaced by C.
Protein change: p.Tyr133=; no amino-acid change (tyrosine 133 retained).
Molecular consequence: synonymous variant.
Genome position (GRCh38, 1-based): chr10:86,899,859, T>C. VCF-style: chr10-86899859-T-C. GRCh37 (hg19) VCF-style: chr10-88659616-T-C.
Identifiers: ClinVar variation 1083839 (VCV001083839.16), dbSNP rs1843282106, ClinGen allele CA470306607.